The following is an entry in ClinVar:

ClinVar aggregate classification (germline): Uncertain significance (1 of 4 stars; one submission).

Submission:

Laboratory for Molecular Medicine, Mass General Brigham Personalized Medicine
Classification: Uncertain significance. Last evaluated: 2018-05-08. Review status: criteria provided, single submitter. Criteria: LMM Criteria. Collection method: clinical testing. Allele origin: germline. Observed: 1 variant allele.
Comment: The c.1297-3C>A variant in ESRRB has not been previously reported in individuals with hearing loss and was absent from large population studies. This variant is located in the 3' splice region. Computational tools do not suggest an impact t o splicing. However, this information is not predictive enough to rule out patho genicity. In summary, the clinical significance of the c.1297-3C>A variant is un certain. ACMG/AMP Criteria applied: PM2.

NM_001379180.1(ESRRB):c.*1402C>A

Gene: ESRRB (estrogen related receptor beta; plus strand). Cytogenetic location: 14q24.3.
Variant type: single nucleotide variant.
Coding change: c.*1402C>A on transcript NM_001379180.1 (MANE Select); 1402 bases downstream of the stop codon, C replaced by A.
Molecular consequence: 3 prime UTR variant. On other transcripts: intron variant (1).
Genome position (GRCh38, 1-based): chr14:76,499,860, C>A. VCF-style: chr14-76499860-C-A. GRCh37 (hg19) VCF-style: chr14-76966203-C-A.
Other names: c.1297-3C>A (NM_004452.4).
Identifiers: ClinVar variation 666825 (VCV000666825.4), dbSNP rs1595180187, ClinGen allele CA915946325.